The following is an entry in ClinVar:

NM_003823.4(TNFRSF6B):c.142G>A (p.Val48Met)

Genes: RTEL1-TNFRSF6B (RTEL1-TNFRSF6B readthrough (NMD candidate); plus strand), TNFRSF6B (TNF receptor superfamily member 6b; plus strand). Cytogenetic location: 20q13.33.
Variant type: single nucleotide variant.
Coding change: c.142G>A on transcript NM_003823.4 (MANE Select); coding-DNA position 142, G replaced by A.
Protein change: p.Val48Met; replaces valine 48 with methionine.
Molecular consequence: missense variant. On other transcripts: non-coding transcript variant (1).
Genome position (GRCh38, 1-based): chr20:63,696,909, G>A. VCF-style: chr20-63696909-G-A. GRCh37 (hg19) VCF-style: chr20-62328262-G-A.
Other names: short protein forms V48M.
Identifiers: ClinVar variation 1936153 (VCV001936153.5), dbSNP rs775941793, ClinGen allele CA409710838.

ClinVar aggregate classification (germline): Uncertain significance (1 of 4 stars; one submission).

Submission:

Labcorp Genetics (formerly Invitae), Labcorp
Classification: Uncertain significance. Last evaluated: 2025-09-25. Review status: criteria provided, single submitter. Criteria: Invitae Variant Classification Sherloc (09022015). Collection method: clinical testing. Allele origin: germline.
Comment: This sequence change replaces valine, which is neutral and non-polar, with methionine, which is neutral and non-polar, at codon 48 of the TNFRSF6B protein (p.Val48Met). This variant is not present in population databases (gnomAD no frequency). This variant has not been reported in the literature in individuals affected with TNFRSF6B-related conditions. ClinVar contains an entry for this variant (Variation ID: 1936153). An algorithm developed to predict the effect of missense changes on protein structure and function (PolyPhen-2) suggests that this variant is likely to be tolerated. In summary, the available evidence is currently insufficient to determine the role of this variant in disease. Therefore, it has been classified as a Variant of Uncertain Significance.